The following is an entry in ClinVar:

ClinVar aggregate classification (germline): Uncertain significance. Review status: criteria provided, multiple submitters, no conflicts (2 of 4 stars). 2 submissions from 2 submitters: Uncertain significance (2). Last evaluated 2025-04-07.

Conditions:
Microcephaly-intellectual disability-sensorineural hearing loss-epilepsy-abnormal muscle tone syndrome (NEDHSB). Also called: NEURODEVELOPMENTAL DISORDER WITH HEARING LOSS, SEIZURES, AND BRAIN ABNORMALITIES. Identifiers: Orphanet 457351, MedGen C4225276, MONDO:0014698, OMIM 616577.
Inborn genetic diseases. Identifiers: MedGen C0950123, MeSH D030342.

Allele frequency attached by ClinVar (database versions not stated): gnomAD exomes below 0.00001 and 0.00001; ExAC 0.00001; gnomAD 0.00001; TOPMed 0.00001.
gnomAD v4.1: 16 of 1,613,934 alleles (0.00099%); highest among the groups gnomAD compares: Non-Finnish European, 0.0014%; no homozygotes.

Submissions (2):

Ambry Genetics
Classification: Uncertain significance for Inborn genetic diseases. Last evaluated: 2025-04-07. Review status: criteria provided, single submitter. Criteria: Ambry Variant Classification Scheme 2023. Collection method: clinical testing. Allele origin: germline.

Labcorp Genetics (formerly Invitae), Labcorp
Classification: Uncertain significance for Microcephaly-intellectual disability-sensorineural hearing loss-epilepsy-abnormal muscle tone syndrome. Last evaluated: 2021-12-02. Review status: criteria provided, single submitter. Criteria: Invitae Variant Classification Sherloc (09022015). Collection method: clinical testing. Allele origin: germline.
Comment: This sequence change replaces glycine, which is neutral and non-polar, with arginine, which is basic and polar, at codon 522 of the SPATA5 protein (p.Gly522Arg). This variant is present in population databases (rs758525794, gnomAD 0.0009%). This variant has not been reported in the literature in individuals affected with SPATA5-related conditions. ClinVar contains an entry for this variant (Variation ID: 943844). Advanced modeling of protein sequence and biophysical properties (such as structural, functional, and spatial information, amino acid conservation, physicochemical variation, residue mobility, and thermodynamic stability) performed at Invitae indicates that this missense variant is expected to disrupt SPATA5 protein function. In summary, the available evidence is currently insufficient to determine the role of this variant in disease. Therefore, it has been classified as a Variant of Uncertain Significance.

NM_145207.3(AFG2A):c.1564G>A (p.Gly522Arg)

Gene: AFG2A (AAA ATPase AFG2A; plus strand). Cytogenetic location: 4q28.1.
Variant type: single nucleotide variant.
Coding change: c.1564G>A on transcript NM_145207.3 (MANE Select); coding-DNA position 1564, G replaced by A.
Protein change: p.Gly522Arg; replaces glycine 522 with arginine.
Molecular consequence: missense variant.
Genome position (GRCh38, 1-based): chr4:122,947,338, G>A. VCF-style: chr4-122947338-G-A. GRCh37 (hg19) VCF-style: chr4-123868493-G-A.
Other names: c.1561G>A, p.Gly521Arg (NM_001317799.2, NM_001345856.2); short protein forms G522R, G521R.
Identifiers: ClinVar variation 943844 (VCV000943844.5), dbSNP rs758525794, ClinGen allele CA3070488.